The following is an entry in ClinVar:

NM_080669.6(SLC46A1):c.1061T>G (p.Ile354Ser)

Gene: SLC46A1 (solute carrier family 46 member 1; minus strand). Cytogenetic location: 17q11.2.
Variant type: single nucleotide variant.
Coding change: c.1061T>G on transcript NM_080669.6 (MANE Select); coding-DNA position 1061, T replaced by G.
Protein change: p.Ile354Ser; replaces isoleucine 354 with serine.
Molecular consequence: missense variant.
Genome position (GRCh38, 1-based): chr17:28,404,636, A>C on the plus strand (T>G on the coding strand, the complement: SLC46A1 is on the minus strand). VCF-style: chr17-28404636-A-C. GRCh37 (hg19) VCF-style: chr17-26731654-A-C.
Other names: c.1061T>G, p.Ile354Ser (NM_001242366.3); short protein forms I354S.
Identifiers: ClinVar variation 1031063 (VCV001031063.1), dbSNP rs1567818058, ClinGen allele CA398345670.

ClinVar aggregate classification (germline): Uncertain significance (1 of 4 stars; one submission).

Conditions:
Congenital defect of folate absorption. Also called: Hereditary Folate Malabsorption. Identifiers: Orphanet 90045, MedGen C0342705, MONDO:0009238, OMIM 229050.

Allele frequency attached by ClinVar (database versions not stated): gnomAD exomes below 0.00001.
gnomAD v4.1: 1 of 1,610,936 alleles (0.000062%); highest among the groups gnomAD compares: Non-Finnish European, 0.000085%; no homozygotes.

Submission:

Baylor Genetics
Classification: Uncertain significance for Congenital defect of folate absorption. Last evaluated: 2020-06-03. Review status: criteria provided, single submitter. Criteria: ACMG Guidelines, 2015. Collection method: clinical testing. Allele origin: unknown. Affected: yes.
Comment: This variant was determined to be of uncertain significance according to ACMG Guidelines, 2015 [PMID:25741868].